The following is an entry in ClinVar:

NM_024675.4(PALB2):c.169T>G (p.Cys57Gly)

Gene: PALB2 (partner and localizer of BRCA2; minus strand). Cytogenetic location: 16p12.2.
Variant type: single nucleotide variant.
Coding change: c.169T>G on transcript NM_024675.4 (MANE Select); coding-DNA position 169, T replaced by G.
Protein change: p.Cys57Gly; replaces cysteine 57 with glycine.
Molecular consequence: missense variant. On other transcripts: 5 prime UTR variant (8), intron variant (3).
Genome position (GRCh38, 1-based): chr16:23,637,892, A>C on the plus strand (T>G on the coding strand, the complement: PALB2 is on the minus strand). VCF-style: chr16-23637892-A-C. GRCh37 (hg19) VCF-style: chr16-23649213-A-C.
Other names: c.-717T>G (NM_001407306.1, NM_001407307.1, NM_001407308.1 and 5 more transcripts); c.48+3218T>G (NM_001407314.1); c.-105+3218T>G (NM_001407313.1, NM_001407312.1); c.109T>G, p.Cys37Gly (NM_001407296.1); c.169T>G, p.Cys57Gly (NM_001407297.1, NM_001407298.1, NM_001407299.1 and 3 more transcripts); short protein forms C37G, C57G.
Identifiers: ClinVar variation 4130325 (VCV004130325.1).

ClinVar aggregate classification (germline): Uncertain significance (1 of 4 stars; one submission).

Conditions:
Hereditary cancer-predisposing syndrome. Also called: Hereditary neoplastic syndrome; Neoplastic Syndromes, Hereditary; Tumor predisposition; Hereditary Cancer Syndrome. Identifiers: Orphanet 140162, MedGen C0027672, MeSH D009386, MONDO:0015356.

Submission:

Ambry Genetics
Classification: Uncertain significance for Hereditary cancer-predisposing syndrome. Last evaluated: 2025-07-12. Review status: criteria provided, single submitter. Criteria: Ambry Variant Classification Scheme 2023. Collection method: clinical testing. Allele origin: germline.
Comment: The p.C57G variant (also known as c.169T>G), located in coding exon 3 of the PALB2 gene, results from a T to G substitution at nucleotide position 169. The cysteine at codon 57 is replaced by glycine, an amino acid with highly dissimilar properties. This amino acid position is conserved. In addition, this alteration is predicted to be tolerated by in silico analysis. Based on the available evidence, the clinical significance of this variant remains unclear.